The following is an entry in ClinVar:

NM_152393.4(KLHL40):c.1590C>T (p.Tyr530=)

Gene: KLHL40 (kelch like family member 40; plus strand). Cytogenetic location: 3p22.1.
Variant type: single nucleotide variant.
Coding change: c.1590C>T on transcript NM_152393.4 (MANE Select); coding-DNA position 1590, C replaced by T.
Protein change: p.Tyr530=; no amino-acid change (tyrosine 530 retained).
Molecular consequence: synonymous variant.
Genome position (GRCh38, 1-based): chr3:42,689,037, C>T. VCF-style: chr3-42689037-C-T. GRCh37 (hg19) VCF-style: chr3-42730529-C-T.
Identifiers: ClinVar variation 474331 (VCV000474331.13), dbSNP rs372060961, ClinGen allele CA2337011.

ClinVar aggregate classification (germline): Likely benign. Review status: criteria provided, multiple submitters, no conflicts (2 of 4 stars). 2 submissions from 2 submitters: Likely benign (2). Last evaluated 2026-02-02.

Conditions:
KLHL40-related disorder. Also called: KLHL40-related condition.
Nemaline myopathy 8 (NEM8). Also called: Nemaline myopathy 8, autosomal recessive. Identifiers: Orphanet 171430, MedGen C3809209, MONDO:0014138, OMIM 615348.

Allele frequency attached by ClinVar (database versions not stated): gnomAD 0.00009 and 0.00010; gnomAD exomes 0.00010 and 0.00018; ExAC 0.00015; ESP Exome Variant Server 0.00015; TOPMed 0.00017.
gnomAD v4.1: 273 of 1,612,282 alleles (0.017%); highest among the groups gnomAD compares: South Asian, 0.037%; no homozygotes.

Submissions (2):

Labcorp Genetics (formerly Invitae), Labcorp
Classification: Likely benign for Nemaline myopathy 8. Last evaluated: 2026-02-02. Review status: criteria provided, single submitter. Criteria: Invitae Variant Classification Sherloc (09022015). Collection method: clinical testing. Allele origin: germline.

PreventionGenetics, part of Exact Sciences
Classification: Likely benign for KLHL40-related condition. Last evaluated: 2025-06-21. Review status: criteria provided, single submitter. Criteria: ACMG Guidelines, 2015. Collection method: clinical testing. Allele origin: germline.
Comment: This variant is classified as likely benign based on ACMG/AMP sequence variant interpretation guidelines (Richards et al. 2015 PMID: 25741868, with internal and published modifications).